The following is an entry in ClinVar:

ClinVar aggregate classification (germline): Uncertain significance (1 of 4 stars; one submission).

Submission:

Labcorp Genetics (formerly Invitae), Labcorp
Classification: Uncertain significance. Last evaluated: 2022-07-07. Review status: criteria provided, single submitter. Criteria: Invitae Variant Classification Sherloc (09022015). Collection method: clinical testing. Allele origin: germline.
Comment: In summary, the available evidence is currently insufficient to determine the role of this variant in disease. Therefore, it has been classified as a Variant of Uncertain Significance. Algorithms developed to predict the effect of missense changes on protein structure and function are either unavailable or do not agree on the potential impact of this missense change (SIFT: "Deleterious"; PolyPhen-2: "Probably Damaging"; Align-GVGD: "Class C0"). This variant has not been reported in the literature in individuals affected with DHX32-related conditions. This variant is not present in population databases (gnomAD no frequency). This sequence change replaces tyrosine, which is neutral and polar, with aspartic acid, which is acidic and polar, at codon 53 of the DHX32 protein (p.Tyr53Asp).

NM_018180.3(DHX32):c.157T>G (p.Tyr53Asp)

Gene: DHX32 (DEAH-box helicase 32 (putative); minus strand). Cytogenetic location: 10q26.2.
Variant type: single nucleotide variant.
Coding change: c.157T>G on transcript NM_018180.3 (MANE Select); coding-DNA position 157, T replaced by G.
Protein change: p.Tyr53Asp; replaces tyrosine 53 with aspartic acid.
Molecular consequence: missense variant.
Genome position (GRCh38, 1-based): chr10:125,880,668, A>C on the plus strand (T>G on the coding strand, the complement: DHX32 is on the minus strand). VCF-style: chr10-125880668-A-C. GRCh37 (hg19) VCF-style: chr10-127569237-A-C.
Other names: short protein forms Y53D.
Identifiers: ClinVar variation 2014897 (VCV002014897.4), dbSNP rs527861445, ClinGen allele CA378668721.